The following is an entry in ClinVar:

ClinVar aggregate classification (germline): Uncertain significance (1 of 4 stars; one submission).

Submission:

GeneDx
Classification: Uncertain significance. Last evaluated: 2023-12-14. Review status: criteria provided, single submitter. Criteria: GeneDx Variant Classification Process June 2021. Collection method: clinical testing. Allele origin: germline. Affected: yes.
Comment: Not observed at significant frequency in large population cohorts (gnomAD); In silico analysis supports that this missense variant has a deleterious effect on protein structure/function; Has not been previously published as pathogenic or benign to our knowledge

NM_001330078.2(NRXN1):c.1643G>A (p.Gly548Asp)

Gene: NRXN1 (neurexin 1; minus strand). Cytogenetic location: 2p16.3.
Variant type: single nucleotide variant.
Coding change: c.1643G>A on transcript NM_001330078.2 (MANE Select); coding-DNA position 1643, G replaced by A.
Protein change: p.Gly548Asp; replaces glycine 548 with aspartic acid.
Molecular consequence: missense variant.
Genome position (GRCh38, 1-based): chr2:50,552,703, C>T on the plus strand (G>A on the coding strand, the complement: NRXN1 is on the minus strand). VCF-style: chr2-50552703-C-T. GRCh37 (hg19) VCF-style: chr2-50779841-C-T.
Other names: c.1763G>A, p.Gly588Asp (NM_001135659.3); c.1619G>A, p.Gly540Asp (NM_001330077.2, NM_001330082.2, NM_001330095.2); c.1604G>A, p.Gly535Asp (NM_001330083.2, NM_001330084.2); c.1643G>A, p.Gly548Asp (NM_001330085.2, NM_001330086.2, NM_004801.6); c.1559G>A, p.Gly520Asp (NM_001330087.2, NM_001330096.2); c.1589G>A, p.Gly530Asp (NM_001330088.2); c.1640G>A, p.Gly547Asp (NM_001330093.2); c.1631G>A, p.Gly544Asp (NM_001330094.2); short protein forms G520D, G530D, G535D, G540D, G544D, G547D, G548D, G588D.
Identifiers: ClinVar variation 3365802 (VCV003365802.1).